The following is an entry in ClinVar:

ClinVar aggregate classification (germline): Uncertain significance (1 of 4 stars; one submission).

Allele frequency attached by ClinVar (database versions not stated): gnomAD exomes below 0.00001; TOPMed below 0.00001; ESP Exome Variant Server 0.00009.
gnomAD v4.1: 4 of 1,189,236 alleles (0.00034%); highest among the groups gnomAD compares: Non-Finnish European, 0.00046%; no homozygotes.

Submission:

GeneDx
Classification: Uncertain significance. Last evaluated: 2023-02-14. Review status: criteria provided, single submitter. Criteria: GeneDx Variant Classification Process June 2021. Collection method: clinical testing. Allele origin: germline. Affected: yes.
Comment: Not observed at significant frequency in large population cohorts (gnomAD); In silico analysis supports that this missense variant does not alter protein structure/function; Has not been previously published as pathogenic or benign to our knowledge

NM_004114.5(FGF13):c.293C>T (p.Thr98Ile)

Gene: FGF13 (fibroblast growth factor 13; minus strand). Cytogenetic location: Xq26.3.
Variant type: single nucleotide variant.
Coding change: c.293C>T on transcript NM_004114.5 (MANE Select); coding-DNA position 293, C replaced by T.
Protein change: p.Thr98Ile; replaces threonine 98 with isoleucine.
Molecular consequence: missense variant.
Genome position (GRCh38, 1-based): chrX:138,708,823, G>A on the plus strand (C>T on the coding strand, the complement: FGF13 is on the minus strand). VCF-style: chrX-138708823-G-A. GRCh37 (hg19) VCF-style: chrX-137790985-G-A.
Other names: c.155C>T, p.Thr52Ile (NM_001139498.2); c.323C>T, p.Thr108Ile (NM_001139500.2); c.236C>T, p.Thr79Ile (NM_001139501.2, NM_001139502.2); c.134C>T, p.Thr45Ile (NM_033642.3); short protein forms T108I, T45I, T52I, T79I, T98I.
Identifiers: ClinVar variation 2430613 (VCV002430613.1), dbSNP rs371038456, ClinGen allele CA336217746.